The following is an entry in ClinVar:

ClinVar aggregate classification (germline): Likely benign (0 of 4 stars; one submission).

Conditions:
KIRREL1-related disorder. Also called: KIRREL1-related condition.

Allele frequency attached by ClinVar (database versions not stated): gnomAD exomes 0.00010; ExAC 0.00013; 1000 Genomes Project 30x 0.00016; 1000 Genomes Project 0.00020; gnomAD 0.00041; TOPMed 0.00045; ESP Exome Variant Server 0.00046.
gnomAD v4.1: 212 of 1,614,110 alleles (0.013%); highest among the groups gnomAD compares: African/African-American, 0.14%; no homozygotes.

Submission:

PreventionGenetics, part of Exact Sciences
Classification: Likely benign for KIRREL1-related condition. Last evaluated: 2019-12-06. Review status: no assertion criteria provided. Collection method: clinical testing. Allele origin: germline.
Comment: This variant is classified as likely benign based on ACMG/AMP sequence variant interpretation guidelines (Richards et al. 2015 PMID: 25741868, with internal and published modifications).

NM_018240.7(KIRREL1):c.2052C>T (p.Tyr684=)

Gene: KIRREL1 (kirre like nephrin family adhesion molecule 1; plus strand). Cytogenetic location: 1q23.1.
Variant type: single nucleotide variant.
Coding change: c.2052C>T on transcript NM_018240.7 (MANE Select); coding-DNA position 2052, C replaced by T.
Protein change: p.Tyr684=; no amino-acid change (tyrosine 684 retained).
Molecular consequence: synonymous variant.
Genome position (GRCh38, 1-based): chr1:158,094,898, C>T. VCF-style: chr1-158094898-C-T. GRCh37 (hg19) VCF-style: chr1-158064688-C-T.
Other names: c.1752C>T, p.Tyr584= (NM_001286349.2).
Identifiers: ClinVar variation 3048067 (VCV003048067.2), dbSNP rs144069175, ClinGen allele CA1177856.